The following is an entry in ClinVar:

NM_000360.4(TH):c.923T>G (p.Phe308Cys)

Gene: TH (tyrosine hydroxylase; minus strand). Cytogenetic location: 11p15.5.
Variant type: single nucleotide variant.
Coding change: c.923T>G on transcript NM_000360.4 (MANE Select); coding-DNA position 923, T replaced by G.
Protein change: p.Phe308Cys; replaces phenylalanine 308 with cysteine.
Molecular consequence: missense variant.
Genome position (GRCh38, 1-based): chr11:2,166,687, A>C on the plus strand (T>G on the coding strand, the complement: TH is on the minus strand). VCF-style: chr11-2166687-A-C. GRCh37 (hg19) VCF-style: chr11-2187917-A-C.
Other names: c.1016T>G, p.Phe339Cys (NM_199292.3); c.1004T>G, p.Phe335Cys (NM_199293.3); short protein forms F308C, F335C, F339C.
Identifiers: ClinVar variation 1308867 (VCV001308867.2), dbSNP rs1333454331, ClinGen allele CA379126207.

ClinVar aggregate classification (germline): Uncertain significance (1 of 4 stars; one submission).

Allele frequency attached by ClinVar (database versions not stated): gnomAD exomes below 0.00001; TOPMed below 0.00001; gnomAD 0.00001.
gnomAD v4.1: 3 of 1,561,316 alleles (0.00019%); highest among the groups gnomAD compares: Non-Finnish European, 0.00026%; no homozygotes.

Submission:

GeneDx
Classification: Uncertain significance. Last evaluated: 2019-10-03. Review status: criteria provided, single submitter. Criteria: GeneDx Variant Classification Process June 2021. Collection method: clinical testing. Allele origin: germline. Affected: yes.
Comment: Not observed in large population cohorts (Lek et al., 2016); In silico analysis, which includes protein predictors and evolutionary conservation, supports a deleterious effect; Has not been previously published as pathogenic or benign to our knowledge